The following is an entry in ClinVar:

ClinVar aggregate classification (germline): Uncertain significance. Review status: criteria provided, multiple submitters, no conflicts (2 of 4 stars). 2 submissions from 2 submitters: Uncertain significance (2). Last evaluated 2025-08-29.

Conditions:
Inborn genetic diseases. Identifiers: MedGen C0950123, MeSH D030342.

gnomAD v4.1: 30 of 1,613,456 alleles (0.0019%); highest among the groups gnomAD compares: Non-Finnish European, 0.0025%; no homozygotes.

Submissions (2):

Ambry Genetics
Classification: Uncertain significance for Inborn genetic diseases. Last evaluated: 2025-08-29. Review status: criteria provided, single submitter. Criteria: Ambry Variant Classification Scheme 2023. Collection method: clinical testing. Allele origin: germline.

GeneDx
Classification: Uncertain significance. Last evaluated: 2024-11-25. Review status: criteria provided, single submitter. Criteria: GeneDx Variant Classification Process June 2021. Collection method: clinical testing. Allele origin: germline. Affected: yes.
Comment: Not observed at significant frequency in large population cohorts (gnomAD); In silico analysis indicates that this missense variant does not alter protein structure/function; Has not been previously published as pathogenic or benign to our knowledge

NM_004341.5(CAD):c.5527G>A (p.Gly1843Arg)

Gene: CAD (carbamoyl-phosphate synthetase 2, aspartate transcarbamylase, and dihydroorotase; plus strand). Cytogenetic location: 2p23.3.
Variant type: single nucleotide variant.
Coding change: c.5527G>A on transcript NM_004341.5 (MANE Select); coding-DNA position 5527, G replaced by A.
Protein change: p.Gly1843Arg; replaces glycine 1843 with arginine.
Molecular consequence: missense variant.
Genome position (GRCh38, 1-based): chr2:27,240,295, G>A. VCF-style: chr2-27240295-G-A. GRCh37 (hg19) VCF-style: chr2-27463163-G-A.
Other names: c.5338G>A, p.Gly1780Arg (NM_001306079.2); short protein forms G1780R, G1843R.
Identifiers: ClinVar variation 3900354 (VCV003900354.2).